The following is an entry in ClinVar:

ClinVar aggregate classification (germline): Uncertain significance. Review status: criteria provided, single submitter (1 of 4 stars). 2 submissions from 2 submitters: Uncertain significance (1). 1 of the submissions does not count toward it. Last evaluated 2022-07-12.

Conditions:
Neu-Laxova syndrome 2. Identifiers: Orphanet 2671, Orphanet 583602, MedGen C4015019, MONDO:0014466, OMIM 616038.

Allele frequency attached by ClinVar (database versions not stated): TOPMed 0.00003.
gnomAD v4.1: 11 of 1,601,192 alleles (0.00069%); highest among the groups gnomAD compares: South Asian, 0.01%; no homozygotes.

Submissions (2):

Labcorp Genetics (formerly Invitae), Labcorp
Classification: Uncertain significance for Neu-Laxova syndrome 2. Last evaluated: 2022-07-12. Review status: criteria provided, single submitter. Criteria: Invitae Variant Classification Sherloc (09022015). Collection method: clinical testing. Allele origin: germline.
Comment: This sequence change replaces alanine, which is neutral and non-polar, with threonine, which is neutral and polar, at codon 3 of the PSAT1 protein (p.Ala3Thr). The frequency data for this variant in the population databases is considered unreliable, as metrics indicate poor data quality at this position in the gnomAD database. This variant has not been reported in the literature in individuals affected with PSAT1-related conditions. ClinVar contains an entry for this variant (Variation ID: 976925). Algorithms developed to predict the effect of missense changes on protein structure and function output the following: SIFT: "Tolerated"; PolyPhen-2: "Benign"; Align-GVGD: "Class C0". The threonine amino acid residue is found in multiple mammalian species, which suggests that this missense change does not adversely affect protein function. Experimental studies have shown that this missense change does not substantially affect PSAT1 function (PMID: 32077105). In summary, the available evidence is currently insufficient to determine the role of this variant in disease. Therefore, it has been classified as a Variant of Uncertain Significance.

Dudley Research Group, Pacific Northwest Research Institute
No classification provided. Review status: no classification provided. Collection method: research, in vivo. Allele origin: unknown, not applicable. Functional consequence: functionally_normal. Not counted in ClinVar's aggregate classification.

Literature cited by the submitters: PubMed 32077105 (cited by Labcorp Genetics (formerly Invitae), Labcorp).

NM_058179.4(PSAT1):c.7G>A (p.Ala3Thr)

Gene: PSAT1 (phosphoserine aminotransferase 1; plus strand). Cytogenetic location: 9q21.2.
Variant type: single nucleotide variant.
Coding change: c.7G>A on transcript NM_058179.4 (MANE Select); coding-DNA position 7, G replaced by A.
Protein change: p.Ala3Thr; replaces alanine 3 with threonine.
Molecular consequence: missense variant.
Genome position (GRCh38, 1-based): chr9:78,297,217, G>A. VCF-style: chr9-78297217-G-A. GRCh37 (hg19) VCF-style: chr9-80912133-G-A.
Other names: c.7G>A, p.Ala3Thr (NM_021154.5); short protein forms A3T.
Identifiers: ClinVar variation 976925 (VCV000976925.5), dbSNP rs776757559, ClinGen allele CA5095473.